The following is an entry in ClinVar:

NM_145290.4(ADGRA3):c.3638A>G (p.Asn1213Ser)

Gene: ADGRA3 (adhesion G protein-coupled receptor A3; minus strand). Cytogenetic location: 4p15.2.
Variant type: single nucleotide variant.
Coding change: c.3638A>G on transcript NM_145290.4 (MANE Select); coding-DNA position 3638, A replaced by G.
Protein change: p.Asn1213Ser; replaces asparagine 1213 with serine.
Molecular consequence: missense variant.
Genome position (GRCh38, 1-based): chr4:22,388,033, T>C on the plus strand (A>G on the coding strand, the complement: ADGRA3 is on the minus strand). VCF-style: chr4-22388033-T-C. GRCh37 (hg19) VCF-style: chr4-22389656-T-C.
Other names: short protein forms N1213S.
Identifiers: ClinVar variation 1043834 (VCV001043834.8), dbSNP rs1472494774, ClinGen allele CA356472012.

ClinVar aggregate classification (germline): Uncertain significance (1 of 4 stars; one submission).

Allele frequency attached by ClinVar (database versions not stated): gnomAD 0.00001 and 0.00003; gnomAD exomes 0.00001; TOPMed 0.00002.

Submission:

Labcorp Genetics (formerly Invitae), Labcorp
Classification: Uncertain significance. Last evaluated: 2024-10-24. Review status: criteria provided, single submitter. Criteria: Invitae Variant Classification Sherloc (09022015). Collection method: clinical testing. Allele origin: germline.
Comment: This sequence change replaces asparagine, which is neutral and polar, with serine, which is neutral and polar, at codon 1213 of the ADGRA3 protein (p.Asn1213Ser). This variant is present in population databases (no rsID available, gnomAD 0.01%). This variant has not been reported in the literature in individuals affected with ADGRA3-related conditions. ClinVar contains an entry for this variant (Variation ID: 1043834). An algorithm developed to predict the effect of missense changes on protein structure and function outputs the following: PolyPhen-2: "Benign". The serine amino acid residue is found in multiple mammalian species, which suggests that this missense change does not adversely affect protein function. In summary, the available evidence is currently insufficient to determine the role of this variant in disease. Therefore, it has been classified as a Variant of Uncertain Significance.